The following is an entry in ClinVar:

ClinVar aggregate classification (germline): Likely benign. Review status: criteria provided, multiple submitters, no conflicts (2 of 4 stars). 2 submissions from 2 submitters: Likely benign (2). Last evaluated 2025-12-16.

Conditions:
Intellectual developmental disorder, X-linked 1. Also called: Atkin Flaitz Patil Smith syndrome; Intellectual disability, X-linked 1; MENTAL RETARDATION, X-LINKED 18; MENTAL RETARDATION, X-LINKED 78. Identifiers: Orphanet 777, MedGen C2931498, MONDO:0010656, OMIM 309530.

gnomAD v4.1: 8 of 1,211,332 alleles (0.00066%); highest among the groups gnomAD compares: Non-Finnish European, 0.00089%; no homozygotes.

Submissions (2):

Labcorp Genetics (formerly Invitae), Labcorp
Classification: Likely benign for Intellectual developmental disorder, X-linked 1. Last evaluated: 2025-12-16. Review status: criteria provided, single submitter. Criteria: Invitae Variant Classification Sherloc (09022015). Collection method: clinical testing. Allele origin: germline.

GeneDx
Classification: Likely benign. Last evaluated: 2024-05-08. Review status: criteria provided, single submitter. Criteria: GeneDx Variant Classification Process June 2021. Collection method: clinical testing. Allele origin: germline. Affected: yes.
Comment: See Variant Classification Assertion Criteria.

NM_001111125.3(IQSEC2):c.1492A>G (p.Lys498Glu)

Gene: IQSEC2 (IQ motif and Sec7 domain ArfGEF 2; minus strand). Cytogenetic location: Xp11.22.
Variant type: single nucleotide variant.
Coding change: c.1492A>G on transcript NM_001111125.3 (MANE Select); coding-DNA position 1492, A replaced by G.
Protein change: p.Lys498Glu; replaces lysine 498 with glutamic acid.
Molecular consequence: missense variant.
Genome position (GRCh38, 1-based): chrX:53,251,084, T>C on the plus strand (A>G on the coding strand, the complement: IQSEC2 is on the minus strand). VCF-style: chrX-53251084-T-C. GRCh37 (hg19) VCF-style: chrX-53280266-T-C.
Other names: c.1492A>G, p.Lys498Glu (NM_001410736.1); c.877A>G, p.Lys293Glu (NM_015075.2); short protein forms K293E, K498E.
Identifiers: ClinVar variation 3375761 (VCV003375761.2).